The following is an entry in ClinVar:

NM_001377.3(DYNC2H1):c.10771del (p.Thr3591fs)

Gene: DYNC2H1 (dynein cytoplasmic 2 heavy chain 1; plus strand). Cytogenetic location: 11q22.3.
Variant type: Deletion.
Coding change: c.10771del on transcript NM_001377.3 (MANE Select); coding-DNA position 10771, one base deleted (A; older notation c.10771delA).
Protein change: p.Thr3591fs; shifts the reading frame from threonine 3591.
Molecular consequence: frameshift variant.
Genome position (GRCh38, 1-based): chr11:103,282,188, A deleted. VCF-style (leftmost placement, unchanged base first): chr11-103282187-TA-T. GRCh37 (hg19) VCF-style: chr11-103152916-TA-T.
Other names: c.10792del, p.Thr3598fs (NM_001080463.2); short protein forms T3598fs, T3591fs.
Identifiers: ClinVar variation 2991766 (VCV002991766.5), dbSNP rs2496764052, ClinGen allele CA2615752142.

ClinVar aggregate classification (germline): Pathogenic/Likely pathogenic. Review status: criteria provided, multiple submitters, no conflicts (2 of 4 stars). 3 submissions from 3 submitters: Pathogenic (2); Likely pathogenic (1). Last evaluated 2025-12-16.

Conditions:
Jeune thoracic dystrophy. Also called: Short-rib thoracic dysplasia; Jeune syndrome; Infantile thoracic dystrophy; Thoracic pelvic phalangeal dystrophy; Jeune's syndrome; Chondroectodermal dysplasia-like syndrome. Identifiers: Orphanet 474, MedGen C0265275, MONDO:0018770.
DYNC2H1-related disorder. Also called: DYNC2H1-related condition; DYNC2H1-related disorders. Identifiers: MedGen CN378770.
Asphyxiating thoracic dystrophy 3. Also called: POLYDACTYLY WITH NEONATAL CHONDRODYSTROPHY, TYPE I; SHORT-RIB THORACIC DYSPLASIA 3/6 WITH POLYDACTYLY, DIGENIC; Short rib polydactyly syndrome 2B; SHORT-RIB THORACIC DYSPLASIA 3 WITH OR WITHOUT POLYDACTYLY; Saldino-Noonan Syndrome. Identifiers: Orphanet 474, Orphanet 93269, Orphanet 93270, Orphanet 93271, MedGen C0036069, MONDO:0013127, OMIM 613091.

Allele frequency attached by ClinVar (database versions not stated): gnomAD exomes below 0.00001.

Submissions (3):

Labcorp Genetics (formerly Invitae), Labcorp
Classification: Pathogenic for Jeune thoracic dystrophy. Last evaluated: 2025-12-16. Review status: criteria provided, single submitter. Criteria: Invitae Variant Classification Sherloc (09022015). Collection method: clinical testing. Allele origin: germline.
Comment: This sequence change creates a premature translational stop signal (p.Thr3598Argfs*28) in the DYNC2H1 gene. It is expected to result in an absent or disrupted protein product. Loss-of-function variants in DYNC2H1 are known to be pathogenic (PMID: 23339108, 32753734, 33755199). This variant is not present in population databases (gnomAD no frequency). This variant has not been reported in the literature in individuals affected with DYNC2H1-related conditions. ClinVar contains an entry for this variant (Variation ID: 2991766). For these reasons, this variant has been classified as Pathogenic.

Myriad Genetics, Inc.
Classification: Pathogenic for Asphyxiating thoracic dystrophy 3. Last evaluated: 2025-09-16. Review status: criteria provided, single submitter. Criteria: Myriad Autosomal Dominant, Autosomal Recessive and X-Linked Classification Criteria (2023). Collection method: clinical testing. Allele origin: unknown.
Comment: NM_001377.2(DYNC2H1):c.10771delA(T3591Rfs*28) is expected to be pathogenic in the context of DYNC2H1-related disorders. This variant is predicted to lead to an abnormal or absent protein product due to the creation of a premature termination codon in DYNC2H1, a gene where loss-of-function variants are known to be pathogenic. Please note: this variant was assessed in the context of healthy population screening.

Blueprint Genetics
Classification: Likely pathogenic for DYNC2H1-related disorders. Last evaluated: 2023-01-16. Review status: criteria provided, single submitter. Criteria: ACMG Guidelines, 2015. Collection method: clinical testing. Allele origin: germline. Affected: yes. Observed: 4 variant alleles.

Literature cited by the submitters: PubMed 23339108 (cited by Labcorp Genetics (formerly Invitae), Labcorp); PubMed 32753734 (cited by Labcorp Genetics (formerly Invitae), Labcorp); PubMed 33755199 (cited by Labcorp Genetics (formerly Invitae), Labcorp).